The following is an entry in ClinVar:

ClinVar aggregate classification (germline): Uncertain significance (1 of 4 stars; one submission).

Conditions:
Marfan syndrome (MFS). Also called: MARFAN SYNDROME, TYPE I; FBN1-Related Marfan Syndrome; Marfan syndrome type 1; Marfan's syndrome; Marfan syndrome, classic. Identifiers: Orphanet 284963, Orphanet 558, MedGen C0024796, MONDO:0007947, OMIM 154700.
Familial thoracic aortic aneurysm and aortic dissection (TAAD). Also called: Thoracic aortic aneurysms and dissections. Identifiers: Orphanet 91387, MedGen C4707243, MONDO:0019625.

Submission:

Labcorp Genetics (formerly Invitae), Labcorp
Classification: Uncertain significance for Marfan syndrome; Familial thoracic aortic aneurysm and aortic dissection. Last evaluated: 2017-07-10. Review status: criteria provided, single submitter. Criteria: Invitae Variant Classification Sherloc (09022015). Collection method: clinical testing. Allele origin: germline.
Comment: Nucleotide substitutions within the consensus splice site are relatively common causes of aberrant splicing (PMID: 17576681, 9536098). Algorithms developed to predict the effect of sequence changes on RNA splicing suggest that this variant may disrupt the consensus splice site, but this prediction has not been confirmed by published transcriptional studies. This variant has been reported in an individual affected with Marfan syndrome who met Ghent criteria (PMID: 19839986). This variant is not present in population databases (ExAC no frequency). This sequence change falls in intron 22 of the FBN1 gene. It does not directly change the encoded amino acid sequence of the FBN1 protein, but it affects a nucleotide within the consensus splice site of the intron. In summary, the available evidence is currently insufficient to determine the role of this variant in disease. Therefore, it has been classified as a Variant of Uncertain Significance.

Literature cited by the submitters: PubMed 17576681; PubMed 9536098; PubMed 19839986.

NM_000138.5(FBN1):c.2677+5G>A

Gene: FBN1 (fibrillin 1; minus strand). Cytogenetic location: 15q21.1.
Variant type: single nucleotide variant.
Coding change: c.2677+5G>A on transcript NM_000138.5 (MANE Select); 5 bases into the intron after coding-DNA position 2677, G replaced by A.
Molecular consequence: intron variant.
Genome position (GRCh38, 1-based): chr15:48,495,118, C>T on the plus strand (G>A on the coding strand, the complement: FBN1 is on the minus strand). VCF-style: chr15-48495118-C-T. GRCh37 (hg19) VCF-style: chr15-48787315-C-T.
Identifiers: ClinVar variation 457175 (VCV000457175.8), dbSNP rs1085307946, ClinGen allele CA658656476.